The following is an entry in ClinVar:

ClinVar aggregate classification (germline): Uncertain significance (1 of 4 stars; one submission).

Conditions:
Primary ciliary dyskinesia. Also called: Ciliary dyskinesia. Identifiers: Orphanet 244, MedGen C0008780, MONDO:0016575, HP:0012265.

Allele frequency attached by ClinVar (database versions not stated): TOPMed 0.00004.
gnomAD v4.1: 36 of 1,614,154 alleles (0.0022%); highest among the groups gnomAD compares: Admixed American, 0.04%; no homozygotes.

Submission:

Labcorp Genetics (formerly Invitae), Labcorp
Classification: Uncertain significance for Primary ciliary dyskinesia. Last evaluated: 2025-06-02. Review status: criteria provided, single submitter. Criteria: Invitae Variant Classification Sherloc (09022015). Collection method: clinical testing. Allele origin: germline.
Comment: This sequence change replaces threonine, which is neutral and polar, with methionine, which is neutral and non-polar, at codon 529 of the DNAAF1 protein (p.Thr529Met). This variant is present in population databases (rs780536622, gnomAD 0.07%). This variant has not been reported in the literature in individuals affected with DNAAF1-related conditions. ClinVar contains an entry for this variant (Variation ID: 1973113). An algorithm developed to predict the effect of missense changes on protein structure and function outputs the following: PolyPhen-2: "Benign". The methionine amino acid residue is found in multiple mammalian species, which suggests that this missense change does not adversely affect protein function. In summary, the available evidence is currently insufficient to determine the role of this variant in disease. Therefore, it has been classified as a Variant of Uncertain Significance.

NM_178452.6(DNAAF1):c.1586C>T (p.Thr529Met)

Gene: DNAAF1 (dynein axonemal assembly factor 1; plus strand). Cytogenetic location: 16q24.1.
Variant type: single nucleotide variant.
Coding change: c.1586C>T on transcript NM_178452.6 (MANE Select); coding-DNA position 1586, C replaced by T.
Protein change: p.Thr529Met; replaces threonine 529 with methionine.
Molecular consequence: missense variant.
Genome position (GRCh38, 1-based): chr16:84,172,317, C>T. VCF-style: chr16-84172317-C-T. GRCh37 (hg19) VCF-style: chr16-84205923-C-T.
Other names: c.878C>T, p.Thr293Met (NM_001318756.1); short protein forms T529M, T293M.
Identifiers: ClinVar variation 1973113 (VCV001973113.3), dbSNP rs780536622, ClinGen allele CA8202924.